The following is an entry in ClinVar:

NM_001931.5(DLAT):c.1197+192G>A

Gene: DLAT (dihydrolipoamide S-acetyltransferase; plus strand). Cytogenetic location: 11q23.1.
Variant type: single nucleotide variant.
Coding change: c.1197+192G>A on transcript NM_001931.5 (MANE Select); 192 bases into the intron after coding-DNA position 1197, G replaced by A.
Molecular consequence: intron variant.
Genome position (GRCh38, 1-based): chr11:112,043,725, G>A. VCF-style: chr11-112043725-G-A. GRCh37 (hg19) VCF-style: chr11-111914449-G-A.
Other names: c.735+192G>A (NM_001372042.1); c.1197+192G>A (NM_001372031.1, NM_001372033.1, NM_001372035.1); c.1191+192G>A (NM_001372032.1); c.882+192G>A (NM_001372039.1, NM_001372041.1); c.918+192G>A (NM_001372038.1); c.816+192G>A (NM_001372040.1); c.1164+192G>A (NM_001372034.1); c.1071+192G>A (NM_001372036.1); and 1 more.
Identifiers: ClinVar variation 683732 (VCV000683732.1), dbSNP rs675283, ClinGen allele CA228555075.

ClinVar aggregate classification (germline): Benign (1 of 4 stars; one submission).

Allele frequency attached by ClinVar (database versions not stated): gnomAD 0.98339 and 0.98404; TOPMed 0.98619; 1000 Genomes Project 0.99261; 1000 Genomes Project 30x 0.99297.
gnomAD v4.1: 149,927 of 152,332 alleles (98%); highest among the groups gnomAD compares: East Asian, 100%; 73,800 homozygotes.

Submission:

GeneDx
Classification: Benign. Last evaluated: 2018-06-14. Review status: criteria provided, single submitter. Criteria: GeneDx Variant Classification (06012015). Collection method: clinical testing. Allele origin: germline. Affected: yes.
Comment: This variant is considered likely benign or benign based on one or more of the following criteria: it is a conservative change, it occurs at a poorly conserved position in the protein, it is predicted to be benign by multiple in silico algorithms, and/or has population frequency not consistent with disease.